The following is an entry in ClinVar:

NM_004482.4(GALNT3):c.1517C>A (p.Ser506Tyr)

Gene: GALNT3 (polypeptide N-acetylgalactosaminyltransferase 3; minus strand). Cytogenetic location: 2q24.3.
Variant type: single nucleotide variant.
Coding change: c.1517C>A on transcript NM_004482.4 (MANE Select); coding-DNA position 1517, C replaced by A.
Protein change: p.Ser506Tyr; replaces serine 506 with tyrosine.
Molecular consequence: missense variant.
Genome position (GRCh38, 1-based): chr2:165,754,939, G>T on the plus strand (C>A on the coding strand, the complement: GALNT3 is on the minus strand). VCF-style: chr2-165754939-G-T. GRCh37 (hg19) VCF-style: chr2-166611449-G-T.
Other names: short protein forms S506Y.
Identifiers: ClinVar variation 1381722 (VCV001381722.3), dbSNP rs1014664640, ClinGen allele CA59746070.

ClinVar aggregate classification (germline): Uncertain significance (1 of 4 stars; one submission).

Allele frequency attached by ClinVar (database versions not stated): gnomAD exomes below 0.00001; gnomAD 0.00001.

Submission:

Labcorp Genetics (formerly Invitae), Labcorp
Classification: Uncertain significance. Last evaluated: 2021-11-28. Review status: criteria provided, single submitter. Criteria: Invitae Variant Classification Sherloc (09022015). Collection method: clinical testing. Allele origin: germline.
Comment: This sequence change replaces serine, which is neutral and polar, with tyrosine, which is neutral and polar, at codon 506 of the GALNT3 protein (p.Ser506Tyr). This variant is present in population databases (no rsID available, gnomAD 0.0009%). This variant has not been reported in the literature in individuals affected with GALNT3-related conditions. Algorithms developed to predict the effect of missense changes on protein structure and function (SIFT, PolyPhen-2, Align-GVGD) all suggest that this variant is likely to be tolerated. In summary, the available evidence is currently insufficient to determine the role of this variant in disease. Therefore, it has been classified as a Variant of Uncertain Significance.